The following is an entry in ClinVar:

NM_001231.5(CASQ1):c.519dup (p.Glu174Ter)

Gene: CASQ1 (calsequestrin 1; plus strand). Cytogenetic location: 1q23.2.
Variant type: Duplication.
Coding change: c.519dup on transcript NM_001231.5 (MANE Select); coding-DNA position 519, one base duplicated (T; older notation c.519dupT).
Protein change: p.Glu174Ter; replaces glutamic acid 174 with a stop codon.
Molecular consequence: nonsense.
Genome position (GRCh38, 1-based): chr1:160,195,065, T duplicated; the last of 3 consecutive T bases (chr1:160,195,063-160,195,065); duplicating any one gives the same sequence. VCF-style (leftmost placement, unchanged base first): chr1-160195062-G-GT. GRCh37 (hg19) VCF-style: chr1-160164852-G-GT.
Other names: short protein forms E174*.
Identifiers: ClinVar variation 2748226 (VCV002748226.3), dbSNP rs2525055305, ClinGen allele CA2648653964.
Genomic context (GRCh38, chr1:160,195,062, plus strand): 5'-CCTCTTTCAGGTCCTAGAGGACCCTGTGGAATTGATTGAAGGTGAACGAGAGCTGCAGGC[G>GT]TTTGAGAATATTGAGGATGAGATCAAACTCATTGGCTACTTCAAGAGCAAAGACTCAGAG-3'

ClinVar aggregate classification (germline): Uncertain significance (1 of 4 stars; one submission).

Submission:

Labcorp Genetics (formerly Invitae), Labcorp
Classification: Uncertain significance. Last evaluated: 2023-07-29. Review status: criteria provided, single submitter. Criteria: Invitae Variant Classification Sherloc (09022015). Collection method: clinical testing. Allele origin: germline.
Comment: This sequence change creates a premature translational stop signal (p.Glu174*) in the CASQ1 gene. It is expected to result in an absent or disrupted protein product. However, the current clinical and genetic evidence is not sufficient to establish whether loss-of-function variants in CASQ1 cause disease. This variant is not present in population databases (gnomAD no frequency). This variant has not been reported in the literature in individuals affected with CASQ1-related conditions. In summary, the available evidence is currently insufficient to determine the role of this variant in disease. Therefore, it has been classified as a Variant of Uncertain Significance.